The following is an entry in ClinVar:

ClinVar aggregate classification (germline): Uncertain significance. Review status: criteria provided, multiple submitters, no conflicts (2 of 4 stars). 6 submissions from 6 submitters: Uncertain significance (4). 2 of the submissions do not count toward it. Last evaluated 2025-10-03.

Conditions:
Steroid-resistant nephrotic syndrome. Identifiers: MedGen C0403397, MONDO:0044765, HP:0012588.
Nephrotic syndrome, type 2 (NPHS2). Also called: NEPHROTIC SYNDROME, STEROID-RESISTANT, AUTOSOMAL RECESSIVE. Identifiers: Orphanet 656, MedGen C1868672, MONDO:0010974, OMIM 600995.

Allele frequency attached by ClinVar (database versions not stated): gnomAD 0.00002; gnomAD exomes 0.00003 and 0.00005; TOPMed 0.00003; ExAC 0.00004.
gnomAD v4.1: 40 of 1,613,938 alleles (0.0025%); highest among the groups gnomAD compares: Middle Eastern, 0.033%; no homozygotes.

Submissions (6):

Labcorp Genetics (formerly Invitae), Labcorp
Classification: Uncertain significance. Last evaluated: 2025-10-03. Review status: criteria provided, single submitter. Criteria: Invitae Variant Classification Sherloc (09022015). Collection method: clinical testing. Allele origin: germline.
Comment: This sequence change replaces alanine, which is neutral and non-polar, with threonine, which is neutral and polar, at codon 208 of the NPHS2 protein (p.Ala208Thr). This variant is present in population databases (rs200587413, gnomAD 0.009%). This missense change has been observed in individual(s) with clinical features of steroid-resistant nephrotic syndrome (PMID: 15253708, 15769810, 23645318). ClinVar contains an entry for this variant (Variation ID: 550033). Invitae Evidence Modeling of protein sequence and biophysical properties (such as structural, functional, and spatial information, amino acid conservation, physicochemical variation, residue mobility, and thermodynamic stability) indicates that this missense variant is not expected to disrupt NPHS2 protein function with a negative predictive value of 95%. In summary, the available evidence is currently insufficient to determine the role of this variant in disease. Therefore, it has been classified as a Variant of Uncertain Significance.

Fulgent Genetics
Classification: Uncertain significance for Nephrotic syndrome, type 2. Last evaluated: 2024-02-19. Review status: criteria provided, single submitter. Criteria: ACMG Guidelines, 2015. Collection method: clinical testing. Allele origin: germline.

Genome-Nilou Lab
Classification: Uncertain significance for Nephrotic syndrome, type 2. Last evaluated: 2023-04-11. Review status: criteria provided, single submitter. Criteria: ACMG Guidelines, 2015. Collection method: clinical testing. Allele origin: germline. Affected: no.

Women's Health and Genetics/Laboratory Corporation of America, LabCorp
Classification: Uncertain significance. Last evaluated: 2021-12-07. Review status: criteria provided, single submitter. Criteria: LabCorp Variant Classification Summary - May 2015. Collection method: clinical testing. Allele origin: germline.
Comment: Variant summary: NPHS2 c.622G>A (p.Ala208Thr) results in a non-conservative amino acid change located in the Band 7 domain of the encoded protein sequence. Three of five in-silico tools predict a benign effect of the variant on protein function. The variant allele was found at a frequency of 5.2e-05 in 251248 control chromosomes. This frequency is not significantly higher than expected for a pathogenic variant in NPHS2 causing Nephrotic Syndrome, Type 2 (5.2e-05 vs 0.0018), allowing no conclusion about variant significance. c.622G>A has been reported in the literature as a non-informative genotype (second allele not specified) in settings of NPHS2 specific gene sequencing and/or multigene panel testing among individuals affected with renal conditions such as steroid-resistant nephrotic syndrome (SRNS) and non-familial childhood-onset steroid-resistant FSGS patients, (example, Lipska_2013, Lowik_2008, Weber_2004, Yu_2005). These report(s) do not provide unequivocal conclusions about association of the variant with Nephrotic Syndrome, Type 2. To our knowledge, no experimental evidence demonstrating an impact on protein function has been reported. Three clinical diagnostic laboratories have submitted clinical-significance assessments for this variant to ClinVar after 2014 without evidence for independent evaluation. All laboratories classified the variant as uncertain significance. Based on the evidence outlined above, the variant was classified as uncertain significance.

Natera, Inc.
Classification: Uncertain significance for Steroid-resistant nephrotic syndrome. Last evaluated: 2020-09-16. Review status: no assertion criteria provided. Collection method: clinical testing. Allele origin: germline. Not counted in ClinVar's aggregate classification.

Counsyl
Classification: Uncertain significance for Nephrotic syndrome, type 2. Last evaluated: 2018-02-16. Review status: no assertion criteria provided. Collection method: clinical testing. Allele origin: unknown. Not counted in ClinVar's aggregate classification.

Literature cited by the submitters: PubMed 15253708 (cited by 3 submitters); PubMed 15769810 (cited by Labcorp Genetics (formerly Invitae), Labcorp and Women's Health and Genetics/Laboratory Corporation of America, LabCorp); PubMed 23645318 (cited by 3 submitters); PubMed 26211502 (cited by Women's Health and Genetics/Laboratory Corporation of America, LabCorp); PubMed 15817495 (cited by Women's Health and Genetics/Laboratory Corporation of America, LabCorp); PubMed 18443213 (cited by Women's Health and Genetics/Laboratory Corporation of America, LabCorp and Counsyl); PubMed 12608558 (cited by Counsyl).

NM_014625.4(NPHS2):c.622G>A (p.Ala208Thr)

Gene: NPHS2 (NPHS2 stomatin family member, podocin; minus strand). Cytogenetic location: 1q25.2.
Variant type: single nucleotide variant.
Coding change: c.622G>A on transcript NM_014625.4 (MANE Select); coding-DNA position 622, G replaced by A.
Protein change: p.Ala208Thr; replaces alanine 208 with threonine.
Molecular consequence: missense variant. On other transcripts: intron variant (1).
Genome position (GRCh38, 1-based): chr1:179,557,143, C>T on the plus strand (G>A on the coding strand, the complement: NPHS2 is on the minus strand). VCF-style: chr1-179557143-C-T. GRCh37 (hg19) VCF-style: chr1-179526278-C-T.
Other names: c.534+2536G>A (NM_001297575.2); short protein forms A208T.
Identifiers: ClinVar variation 550033 (VCV000550033.11), dbSNP rs200587413, ClinGen allele CA1267167.